The following is an entry in ClinVar:

NM_015135.3(NUP205):c.5654A>G (p.Asn1885Ser)

Gene: NUP205 (nucleoporin 205; plus strand). Cytogenetic location: 7q33.
Variant type: single nucleotide variant.
Coding change: c.5654A>G on transcript NM_015135.3 (MANE Select); coding-DNA position 5654, A replaced by G.
Protein change: p.Asn1885Ser; replaces asparagine 1885 with serine.
Molecular consequence: missense variant.
Genome position (GRCh38, 1-based): chr7:135,644,989, A>G. VCF-style: chr7-135644989-A-G. GRCh37 (hg19) VCF-style: chr7-135329737-A-G.
Other names: p.Asn1885Ser; c.5654A>G (NM_015135.2); c.4580A>G, p.Asn1527Ser (NM_001329434.2); short protein forms N1527S, N1885S.
Identifiers: ClinVar variation 3379793 (VCV003379793.2).

ClinVar aggregate classification (germline): Uncertain significance. Review status: criteria provided, multiple submitters, no conflicts (2 of 4 stars). 2 submissions from 2 submitters: Uncertain significance (2). Last evaluated 2025-08-04.

gnomAD v4.1: 70 of 1,614,166 alleles (0.0043%); highest among the groups gnomAD compares: East Asian, 0.011%; no homozygotes.

Submissions (2):

Ambry Genetics
Classification: Uncertain significance. Last evaluated: 2025-08-04. Review status: criteria provided, single submitter. Criteria: Ambry Variant Classification Scheme 2023. Collection method: clinical testing. Allele origin: germline.

Mayo Clinic Laboratories, Mayo Clinic
Classification: Uncertain significance. Last evaluated: 2024-08-15. Review status: criteria provided, single submitter. Criteria: ACMG Guidelines, 2015. Collection method: clinical testing. Allele origin: germline. Observed: 1 variant allele.
Comment: BP4